The following is an entry in ClinVar:

NM_007373.4(SHOC2):c.16G>C (p.Gly6Arg)

Gene: SHOC2 (SHOC2 leucine rich repeat scaffold protein; plus strand). Cytogenetic location: 10q25.2.
Variant type: single nucleotide variant.
Coding change: c.16G>C on transcript NM_007373.4 (MANE Select); coding-DNA position 16, G replaced by C.
Protein change: p.Gly6Arg; replaces glycine 6 with arginine.
Molecular consequence: missense variant.
Genome position (GRCh38, 1-based): chr10:110,964,374, G>C. VCF-style: chr10-110964374-G-C. GRCh37 (hg19) VCF-style: chr10-112724132-G-C.
Other names: c.16G>C, p.Gly6Arg (NM_001269039.3, NM_001324336.2, NM_001324337.2); short protein forms G6R.
Identifiers: ClinVar variation 1717401 (VCV001717401.5), dbSNP rs2493837783, ClinGen allele CA378380219.
Genomic context (GRCh38, chr10:110,964,374, plus strand): 5'-AAAATAAAAGGAGTTCATGTAGTTTTTGTCCAGGCTTGAGTCACCATGAGTAGTAGTTTA[G>C]GAAAAGAAAAAGACTCTAAAGAAAAAGATCCCAAAGTACCATCAGCCAAGGAAAGAGAAA-3'
Protein context (NP_031399.2, residues 1-16): MSSSL[Gly6Arg]KEKDSKEKDP

ClinVar aggregate classification (germline): Uncertain significance (1 of 4 stars; one submission).

Conditions:
RASopathy. Also called: rasopathies; Noonan spectrum disorder. Identifiers: Orphanet 536391, MedGen C5555857, MONDO:0021060.

gnomAD v4.1: 1 of 1,612,882 alleles (0.000062%); no homozygotes.

Submission:

Labcorp Genetics (formerly Invitae), Labcorp
Classification: Uncertain significance for RASopathy. Last evaluated: 2022-08-21. Review status: criteria provided, single submitter. Criteria: Invitae Variant Classification Sherloc (09022015). Collection method: clinical testing. Allele origin: germline.
Comment: This sequence change replaces glycine, which is neutral and non-polar, with arginine, which is basic and polar, at codon 6 of the SHOC2 protein (p.Gly6Arg). This variant is not present in population databases (gnomAD no frequency). This variant has not been reported in the literature in individuals affected with SHOC2-related conditions. Algorithms developed to predict the effect of missense changes on protein structure and function are either unavailable or do not agree on the potential impact of this missense change (SIFT: "Deleterious"; PolyPhen-2: "Probably Damaging"; Align-GVGD: "Class C15"). In summary, the available evidence is currently insufficient to determine the role of this variant in disease. Therefore, it has been classified as a Variant of Uncertain Significance.